The following is an entry in ClinVar:

ClinVar aggregate classification (germline): Likely benign. Review status: criteria provided, multiple submitters, no conflicts (2 of 4 stars). 3 submissions from 3 submitters: Likely benign (2). 1 of the submissions does not count toward it. Last evaluated 2025-02-28.

Conditions:
ZNF292-related disorder. Also called: ZNF292-related condition.
Inborn genetic diseases. Identifiers: MedGen C0950123, MeSH D030342.

Allele frequency attached by ClinVar (database versions not stated): gnomAD exomes 0.00007; ExAC 0.00016; ESP Exome Variant Server 0.00066; TOPMed 0.00068; gnomAD 0.00069; 1000 Genomes Project 0.00140; 1000 Genomes Project 30x 0.00172.
gnomAD v4.1: 207 of 1,613,552 alleles (0.013%); highest among the groups gnomAD compares: African/African-American, 0.24%; no homozygotes.

Submissions (3):

Ambry Genetics
Classification: Likely benign for Inborn genetic diseases. Last evaluated: 2025-02-28. Review status: criteria provided, single submitter. Criteria: Ambry Variant Classification Scheme 2023. Collection method: clinical testing. Allele origin: germline.

CeGaT Center for Human Genetics Tuebingen
Classification: Likely benign. Last evaluated: 2023-12-01. Review status: criteria provided, single submitter. Criteria: CeGaT Center For Human Genetics Tuebingen Variant Classification Criteria Version 2. Collection method: clinical testing. Allele origin: germline. Affected: yes. Observed: 1 variant allele.
Comment: ZNF292: BP4, BS1

PreventionGenetics, part of Exact Sciences
Classification: Likely benign for ZNF292-related condition. Last evaluated: 2022-02-17. Review status: no assertion criteria provided. Collection method: clinical testing. Allele origin: germline. Not counted in ClinVar's aggregate classification.
Comment: This variant is classified as likely benign based on ACMG/AMP sequence variant interpretation guidelines (Richards et al. 2015 PMID: 25741868, with internal and published modifications).

NM_015021.3(ZNF292):c.2930C>T (p.Thr977Ile)

Gene: ZNF292 (zinc finger protein 292; plus strand). Cytogenetic location: 6q14.3.
Variant type: single nucleotide variant.
Coding change: c.2930C>T on transcript NM_015021.3 (MANE Select); coding-DNA position 2930, C replaced by T.
Protein change: p.Thr977Ile; replaces threonine 977 with isoleucine.
Molecular consequence: missense variant.
Genome position (GRCh38, 1-based): chr6:87,256,559, C>T. VCF-style: chr6-87256559-C-T. GRCh37 (hg19) VCF-style: chr6-87966277-C-T.
Other names: c.2510C>T, p.Thr837Ile (NM_001351444.2); c.2930C>T (NM_015021.1); short protein forms T837I, T977I.
Identifiers: ClinVar variation 3025642 (VCV003025642.24), dbSNP rs143144210, ClinGen allele CA3914033.